The following is an entry in ClinVar:

NM_000465.4(BARD1):c.369_378del (p.Lys124fs)

Gene: BARD1 (BRCA1 associated RING domain 1; minus strand). Cytogenetic location: 2q35.
Variant type: Deletion.
Coding change: c.369_378del on transcript NM_000465.4 (MANE Select); coding-DNA positions 369 to 378, 10 bases deleted (GAAAGAAGAT; older notation c.369_378delGAAAGAAGAT).
Protein change: p.Lys124fs; shifts the reading frame from lysine 124.
Molecular consequence: frameshift variant. On other transcripts: non-coding transcript variant (2), intron variant (3).
Genome position (GRCh38, 1-based): chr2:214,781,496-214,781,505, ATCTTCTTTC deleted on the plus strand (GAAAGAAGAT on the coding strand, the reverse complement: BARD1 is on the minus strand); deleting any 10 consecutive bases within chr2:214,781,496-214,781,506 gives the same sequence; the c. name uses the placement nearest the transcript's 3' end. VCF-style (leftmost placement, unchanged base first): chr2-214781495-TATCTTCTTTC-T. GRCh37 (hg19) VCF-style: chr2-215646219-TATCTTCTTTC-T.
Other names: c.312_321del, p.Lys105fs (NM_001282543.2); c.158+27907_158+27916del (NM_001282548.2); c.215+15556_215+15565del (NM_001282545.2); c.364+10792_364+10801del (NM_001282549.2); short protein forms K105fs, K124fs.
Identifiers: ClinVar variation 2583359 (VCV002583359.2), dbSNP rs2469514725, ClinGen allele CA2582342117.

ClinVar aggregate classification (germline): Pathogenic (1 of 4 stars; one submission).

Conditions:
Familial cancer of breast. Also called: Hereditary breast cancer; BREAST CANCER, FAMILIAL; hereditary breast carcinoma. Identifiers: Orphanet 227535, MedGen C0346153, MONDO:0016419, OMIM 114480. Disease mechanism: loss of function.

Submission:

Myriad Genetics, Inc.
Classification: Pathogenic for Familial cancer of breast. Last evaluated: 2023-05-18. Review status: criteria provided, single submitter. Criteria: Myriad Autosomal Dominant, Autosomal Recessive and X-Linked Classification Criteria (2023). Collection method: clinical testing. Allele origin: unknown.
Comment: This variant is considered pathogenic. This variant creates a frameshift predicted to result in premature protein truncation.